The following is an entry in ClinVar:

NM_000179.3(MSH6):c.2418C>G (p.Ser806=)

Gene: MSH6 (mutS homolog 6; plus strand). Cytogenetic location: 2p16.3.
Variant type: single nucleotide variant.
Coding change: c.2418C>G on transcript NM_000179.3 (MANE Select); coding-DNA position 2418, C replaced by G.
Protein change: p.Ser806=; no amino-acid change (serine 806 retained).
Molecular consequence: synonymous variant. On other transcripts: non-coding transcript variant (5), intron variant (3).
Genome position (GRCh38, 1-based): chr2:47,800,401, C>G. VCF-style: chr2-47800401-C-G. GRCh37 (hg19) VCF-style: chr2-48027540-C-G.
Other names: c.2028C>G, p.Ser676= (NM_001281492.2); c.1512C>G, p.Ser504= (NM_001281493.2, NM_001281494.2, NM_001406811.1 and 6 more transcripts); c.2514C>G, p.Ser838= (NM_001406795.1, NM_001406802.1); c.2418C>G, p.Ser806= (NM_001406796.1, NM_001406798.1, NM_001406800.1 and 2 more transcripts); c.2121C>G, p.Ser707= (NM_001406797.1, NM_001406801.1, NM_001406805.1 and 10 more transcripts); c.1893C>G, p.Ser631= (NM_001406799.1, NM_001406806.1, NM_001406807.1); c.2340C>G, p.Ser780= (NM_001406804.1); c.2424C>G, p.Ser808= (NM_001406813.1); and 4 more.
Identifiers: ClinVar variation 2132995 (VCV002132995.5), dbSNP rs770992427, ClinGen allele CA426121833.

ClinVar aggregate classification (germline): Benign/Likely benign. Review status: criteria provided, multiple submitters, no conflicts (2 of 4 stars). 2 submissions from 2 submitters: Benign (1); Likely benign (1). Last evaluated 2024-12-31.

Conditions:
Hereditary nonpolyposis colorectal neoplasms. Identifiers: MedGen C0009405, MeSH D003123.
Lynch syndrome 5 (LYNCH5). Also called: Colorectal cancer, hereditary nonpolyposis, type 5; Hereditary non-polyposis colorectal cancer, type 5. Identifiers: Orphanet 144, MedGen C1833477, MONDO:0013710, OMIM 614350. Disease mechanism: loss of function.

Submissions (2):

Myriad Genetics, Inc.
Classification: Benign for Lynch syndrome 5. Last evaluated: 2024-12-31. Review status: criteria provided, single submitter. Criteria: Myriad Autosomal Dominant, Autosomal Recessive and X-Linked Classification Criteria (2023). Collection method: clinical testing. Allele origin: unknown.
Comment: This variant is considered benign. This variant is a silent/synonymous amino acid change and it is not expected to impact splicing.

Labcorp Genetics (formerly Invitae), Labcorp
Classification: Likely benign for Hereditary nonpolyposis colorectal neoplasms. Last evaluated: 2022-05-02. Review status: criteria provided, single submitter. Criteria: Invitae Variant Classification Sherloc (09022015). Collection method: clinical testing. Allele origin: germline.